The following is an entry in ClinVar:

NM_198253.3(TERT):c.1623G>T (p.Leu541=)

Gene: TERT (telomerase reverse transcriptase; minus strand). Cytogenetic location: 5p15.33.
Variant type: single nucleotide variant.
Coding change: c.1623G>T on transcript NM_198253.3 (MANE Select); coding-DNA position 1623, G replaced by T.
Protein change: p.Leu541=; no amino-acid change (leucine 541 retained).
Molecular consequence: synonymous variant. On other transcripts: non-coding transcript variant (2).
Genome position (GRCh38, 1-based): chr5:1,282,575, C>A on the plus strand (G>T on the coding strand, the complement: TERT is on the minus strand). VCF-style: chr5-1282575-C-A. GRCh37 (hg19) VCF-style: chr5-1282690-C-A.
Other names: c.1623G>T, p.Leu541= (NM_001193376.3, NM_003219.1).
Identifiers: ClinVar variation 2496734 (VCV002496734.3), dbSNP rs774891917, ClinGen allele CA3184793.
Genomic context (GRCh38, chr5:1,282,575, plus strand): 5'-AAAGAAAGACCTGAGCAGCTCGACGACGTACACACTCATCAGCCAGTGCAGGAACTTGGC[C>A]AGGATCTCCTCACGCAGACGGTGCTCTGCGGCCGGAACACAGCCAACCCCTTAAACGAGA-3'
Protein context (NP_937983.2, residues 531-551): AAEHRLREEI[Leu541=]AKFLHWLMSV

ClinVar aggregate classification (germline): Likely benign. Review status: criteria provided, single submitter (1 of 4 stars). 2 submissions from 2 submitters: Likely benign (1). 1 of the submissions does not count toward it. Last evaluated 2023-02-28.

Conditions:
TERT-related disorder. Also called: TERT-related disorders; TERT-related condition.
Dyskeratosis congenita. Identifiers: Orphanet 1775, MedGen C0265965, MONDO:0015780.

Allele frequency attached by ClinVar (database versions not stated): ExAC 0.00001; gnomAD 0.00001; TOPMed 0.00002.
gnomAD v4.1: 1 of 1,614,018 alleles (0.000062%); highest among the groups gnomAD compares: African/African-American, 0.0013%; no homozygotes.

Submissions (2):

Ambry Genetics
Classification: Likely benign for Dyskeratosis congenita. Last evaluated: 2023-02-28. Review status: criteria provided, single submitter. Criteria: Ambry Variant Classification Scheme 2023. Collection method: clinical testing. Allele origin: germline.

PreventionGenetics, part of Exact Sciences
Classification: Likely benign for TERT-related condition. Last evaluated: 2024-06-11. Review status: no assertion criteria provided. Collection method: clinical testing. Allele origin: germline. Not counted in ClinVar's aggregate classification.
Comment: This variant is classified as likely benign based on ACMG/AMP sequence variant interpretation guidelines (Richards et al. 2015 PMID: 25741868, with internal and published modifications).